The following is an entry in ClinVar:

ClinVar aggregate classification (germline): Uncertain significance (1 of 4 stars; one submission).

Conditions:
Wilms tumor 1 (WT1). Also called: Wilms tumor, somatic. Identifiers: Orphanet 654, MedGen CN033288, MONDO:0008679, OMIM 194070.
11p partial monosomy syndrome (WAGR). Also called: CHROMOSOME 11p13 DELETION SYNDROME; WAGR syndrome; WAGR Complex; WAGR Spectrum Disorder. Identifiers: Orphanet 893, MedGen C0206115, MONDO:0008681, OMIM 194072.
Drash syndrome (DDS). Also called: NEPHROPATHY, WILMS TUMOR, AND GENITAL ANOMALIES; WILMS TUMOR AND PSEUDO- OR TRUE HERMAPHRODITISM. Identifiers: Orphanet 220, MedGen C0950121, MONDO:0008682, OMIM 194080.
Frasier syndrome. Identifiers: Orphanet 347, MedGen C0950122, MeSH D052159, MONDO:0007635, OMIM 136680.

Submission:

Labcorp Genetics (formerly Invitae), Labcorp
Classification: Uncertain significance for Wilms tumor 1; Drash syndrome; 11p partial monosomy syndrome; Frasier syndrome. Last evaluated: 2023-06-25. Review status: criteria provided, single submitter. Criteria: Invitae Variant Classification Sherloc (09022015). Collection method: clinical testing. Allele origin: unknown.
Comment: In summary, the available evidence is currently insufficient to determine the role of this variant in disease. Therefore, it has been classified as a Variant of Uncertain Significance. Experimental studies and prediction algorithms are not available or were not evaluated, and the functional significance of this variant is currently unknown. This variant has not been reported in the literature in individuals affected with WT1-related conditions. This variant results in a copy number gain of the genomic region encompassing exon(s) 8-10 of the WT1 gene. This region includes the termination codon of the gene. This copy number gain extends beyond the assayed region for this gene and therefore may encompass additional genes. As the precise location of this event is unknown, it may be in tandem or it may be located elsewhere in the genome.

NC_000011.9:g.(?_32410601)_(32414311_?)dup

Gene: WT1 (WT1 transcription factor; minus strand). Cytogenetic location: 11p13.
Variant type: Duplication.
Identifiers: ClinVar variation 3244691 (VCV003244691.1).